The following is an entry in ClinVar:

NM_007294.4(BRCA1):c.1729_1730insCTCTCCCTCTCCCTCTCCCTCTCCCTCTCCGTCTCCGTCGCCCTCCCCGGGCTCCGGGACGGGNNNNNNNNNNAAAAAAAAAAAAAAAAAAAAAGAATCACTCGAAAAAG (p.Glu577fs)

Gene: BRCA1 (BRCA1 DNA repair associated; minus strand). Cytogenetic location: 17q21.31.
Variant type: Insertion.
Coding change: c.1729_1730insCTCTCCCTCTCCCTCTCCCTCTCCCTCTCCGTCTCCGTCGCCCTCCCCGGGCTCCGGGACGGGNNNNNNNNNNAAAAAAAAAAAAAAAAAAAAAGAATCACTCGAAAAAG on transcript NM_007294.4 (MANE Select); coding-DNA positions 1729 to 1730, CTCTCCCTCTCCCTCTCCCTCTCCCTCTCCGTCTCCGTCGCCCTCCCCGGGCTCCGGGACGGGNNNNNNNNNNAAAAAAAAAAAAAAAAAAAAAGAATCACTCGAAAAAG inserted.
Protein change: p.Glu577fs; shifts the reading frame from glutamic acid 577.
Molecular consequence: frameshift variant. On other transcripts: intron variant (137).
Genome position: GRCh38: chr17:43,093,818-43,093,819. GRCh37 (hg19): chr17:41,245,835-41,245,836.
Other names: c.1729_1730insCTCTCCCTCTCCCTCTCCCTCTCCCTCTCCGTCTCCGTCGCCCTCCCCGGGCTCCGGGACGGGNNNNNNNNNNAAAAAAAAAAAAAAAAAAAAAGAATCACTCGAAAAAG, p.Glu577fs (NM_001407581.1, NM_001407582.1, NM_001407583.1 and 30 more transcripts); c.1726_1727insCTCTCCCTCTCCCTCTCCCTCTCCCTCTCCGTCTCCGTCGCCCTCCCCGGGCTCCGGGACGGGNNNNNNNNNNAAAAAAAAAAAAAAAAAAAAAGAATCACTCGAAAAAG, p.Glu576fs (NM_001407587.1, NM_001407590.1, NM_001407591.1 and 22 more transcripts); c.1720_1721insCTCTCCCTCTCCCTCTCCCTCTCCCTCTCCGTCTCCGTCGCCCTCCCCGGGCTCCGGGACGGGNNNNNNNNNNAAAAAAAAAAAAAAAAAAAAAGAATCACTCGAAAAAG, p.Glu574fs (NM_001407646.1, NM_001407647.1); c.1606_1607insCTCTCCCTCTCCCTCTCCCTCTCCCTCTCCGTCTCCGTCGCCCTCCCCGGGCTCCGGGACGGGNNNNNNNNNNAAAAAAAAAAAAAAAAAAAAAGAATCACTCGAAAAAG, p.Glu536fs (NM_001407648.1, NM_001407664.1, NM_001407665.1 and 19 more transcripts); c.1603_1604insCTCTCCCTCTCCCTCTCCCTCTCCCTCTCCGTCTCCGTCGCCCTCCCCGGGCTCCGGGACGGGNNNNNNNNNNAAAAAAAAAAAAAAAAAAAAAGAATCACTCGAAAAAG, p.Glu535fs (NM_001407649.1, NM_001407670.1, NM_001407671.1 and 11 more transcripts); c.1651_1652insCTCTCCCTCTCCCTCTCCCTCTCCCTCTCCGTCTCCGTCGCCCTCCCCGGGCTCCGGGACGGGNNNNNNNNNNAAAAAAAAAAAAAAAAAAAAAGAATCACTCGAAAAAG, p.Glu551fs (NM_001407653.1, NM_001407654.1, NM_001407655.1 and 4 more transcripts); c.1648_1649insCTCTCCCTCTCCCTCTCCCTCTCCCTCTCCGTCTCCGTCGCCCTCCCCGGGCTCCGGGACGGGNNNNNNNNNNAAAAAAAAAAAAAAAAAAAAAGAATCACTCGAAAAAG, p.Glu550fs (NM_001407659.1, NM_001407660.1, NM_001407661.1 and 1 more transcripts); c.1588_1589insCTCTCCCTCTCCCTCTCCCTCTCCCTCTCCGTCTCCGTCGCCCTCCCCGGGCTCCGGGACGGGNNNNNNNNNNAAAAAAAAAAAAAAAAAAAAAGAATCACTCGAAAAAG, p.Glu530fs (NM_001407692.1, NM_001407694.1, NM_001407695.1 and 29 more transcripts); and 40 more; short protein forms E577fs, E530fs, E450fs, E506fs, E510fs, E536fs, E409fs, E449fs.
Identifiers: ClinVar variation 1999770 (VCV001999770.4), dbSNP rs2552199435.

ClinVar aggregate classification (germline): Pathogenic (1 of 4 stars; one submission).

Conditions:
Hereditary breast ovarian cancer syndrome. Also called: Breast and ovarian cancer; Hereditary breast and ovarian cancer syndrome; BRCA1- and BRCA2-Associated Hereditary Breast and Ovarian Cancer; Hereditary breast and ovarian cancer syndrome (HBOC); Hereditary breast and/or ovarian cancer syndrome; Hereditary breast and ovarian cancer. Identifiers: Orphanet 145, MedGen C0677776, MeSH D061325, MONDO:0003582. Disease mechanism: loss of function.

Submission:

Labcorp Genetics (formerly Invitae), Labcorp
Classification: Pathogenic for Hereditary breast ovarian cancer syndrome. Last evaluated: 2022-07-12. Review status: criteria provided, single submitter. Criteria: Invitae Variant Classification Sherloc (09022015). Collection method: clinical testing. Allele origin: germline.
Comment: For these reasons, this variant has been classified as Pathogenic. This sequence change inserts a large fragment of DNA, likely a transposable element, in exon 10 of the BRCA1 gene (c.1729_1730ins?), causing a frameshift at codon 577 (p.Glu577fs). The exact size and sequence of the insertion cannot be determined by the current assay. However, the insertion is expected to result in an absent or disrupted protein product. This variant is not present in population databases (gnomAD no frequency). This variant has not been reported in the literature in individuals affected with BRCA1-related conditions. Retrotransposon insertions including LINE1 (L1), Alu, and SVA (SINE-VNTR-Alu) have been reported to be disease-causing through disruption of either a coding region or splice site (PMID: 19763152, 20307669, 22406018) and loss-of-function variants in BRCA1 are known to be pathogenic (PMID: 20104584).

Literature cited by the submitters: PubMed 19763152; PubMed 20307669; PubMed 22406018; PubMed 20104584.